The following is an entry in ClinVar:

ClinVar aggregate classification (germline): Uncertain significance (0 of 4 stars; one submission).

Conditions:
CHEK1-related disorder. Also called: CHEK1-related condition.

gnomAD v4.1: 12 of 702,498 alleles (0.0017%); highest among the groups gnomAD compares: Non-Finnish European, 0.0029%; no homozygotes.

Submission:

PreventionGenetics, part of Exact Sciences
Classification: Uncertain significance for CHEK1-related condition. Last evaluated: 2024-07-18. Review status: no assertion criteria provided. Collection method: clinical testing. Allele origin: germline.
Comment: The CHEK1 c.181G>C variant is predicted to result in the amino acid substitution p.Val61Leu. To our knowledge, this variant has not been reported in the literature or in gnomAD, indicating this variant is rare. At this time, the clinical significance of this variant is uncertain due to the absence of conclusive functional and genetic evidence.

NM_001114122.3(CHEK1):c.-92G>C

Gene: CHEK1 (checkpoint kinase 1; plus strand). Cytogenetic location: 11q24.2.
Variant type: single nucleotide variant.
Coding change: c.-92G>C on transcript NM_001114122.3 (MANE Select); 92 bases upstream of the start codon, G replaced by C.
Molecular consequence: 5 prime UTR variant. On other transcripts: non-coding transcript variant (1).
Genome position (GRCh38, 1-based): chr11:125,625,941, G>C. VCF-style: chr11-125625941-G-C. GRCh37 (hg19) VCF-style: chr11-125495836-G-C.
Other names: c.-92G>C (NM_001114121.2, NM_001244846.1); c.-171G>C (NM_001330427.2).
Identifiers: ClinVar variation 3357727 (VCV003357727.1).